The following is an entry in ClinVar:

ClinVar aggregate classification (germline): Uncertain significance (1 of 4 stars; one submission).

gnomAD v4.1: 7 of 1,614,004 alleles (0.00043%); highest among the groups gnomAD compares: East Asian, 0.013%; no homozygotes.

Submission:

Ambry Genetics
Classification: Uncertain significance. Last evaluated: 2024-01-20. Review status: criteria provided, single submitter. Criteria: Ambry Variant Classification Scheme 2023. Collection method: clinical testing. Allele origin: germline.
Comment: The p.R272L variant (also known as c.815G>T), located in coding exon 1 of the PALLD gene, results from a G to T substitution at nucleotide position 815. The arginine at codon 272 is replaced by leucine, an amino acid with dissimilar properties. This amino acid position is conserved. In addition, this alteration is predicted to be tolerated by in silico analysis. Based on the available evidence, the clinical significance of this alteration remains unclear.

NM_001166108.2(PALLD):c.815G>T (p.Arg272Leu)

Gene: PALLD (palladin, cytoskeletal associated protein; plus strand). Cytogenetic location: 4q32.3.
Variant type: single nucleotide variant.
Coding change: c.815G>T on transcript NM_001166108.2 (MANE Select); coding-DNA position 815, G replaced by T.
Protein change: p.Arg272Leu; replaces arginine 272 with leucine.
Molecular consequence: missense variant.
Genome position (GRCh38, 1-based): chr4:168,512,319, G>T. VCF-style: chr4-168512319-G-T. GRCh37 (hg19) VCF-style: chr4-169433470-G-T.
Other names: c.815G>T, p.Arg272Leu (NM_016081.4); short protein forms R272L.
Identifiers: ClinVar variation 3226841 (VCV003226841.1), dbSNP rs140415820, ClinGen allele CA3135435.